The following is an entry in ClinVar:

ClinVar aggregate classification (germline): Uncertain significance (1 of 4 stars; one submission).

Submission:

Labcorp Genetics (formerly Invitae), Labcorp
Classification: Uncertain significance. Last evaluated: 2024-10-03. Review status: criteria provided, single submitter. Criteria: Invitae Variant Classification Sherloc (09022015). Collection method: clinical testing. Allele origin: germline.
Comment: This sequence change replaces alanine, which is neutral and non-polar, with threonine, which is neutral and polar, at codon 482 of the TLR7 protein (p.Ala482Thr). This variant is present in population databases (rs745328982, gnomAD 0.01%). This variant has not been reported in the literature in individuals affected with TLR7-related conditions. An algorithm developed to predict the effect of missense changes on protein structure and function outputs the following: PolyPhen-2: "Benign". The threonine amino acid residue is found in multiple mammalian species, which suggests that this missense change does not adversely affect protein function. In summary, the available evidence is currently insufficient to determine the role of this variant in disease. Therefore, it has been classified as a Variant of Uncertain Significance.

NM_016562.4(TLR7):c.1444G>A (p.Ala482Thr)

Gene: TLR7 (toll like receptor 7; plus strand). Cytogenetic location: Xp22.2.
Variant type: single nucleotide variant.
Coding change: c.1444G>A on transcript NM_016562.4 (MANE Select); coding-DNA position 1444, G replaced by A.
Protein change: p.Ala482Thr; replaces alanine 482 with threonine.
Molecular consequence: missense variant.
Genome position (GRCh38, 1-based): chrX:12,886,952, G>A. VCF-style: chrX-12886952-G-A. GRCh37 (hg19) VCF-style: chrX-12905071-G-A.
Other names: short protein forms A482T.
Identifiers: ClinVar variation 3670167 (VCV003670167.1).